The following is an entry in ClinVar:

ClinVar aggregate classification (germline): Uncertain significance (1 of 4 stars; one submission).

Submission:

Labcorp Genetics (formerly Invitae), Labcorp
Classification: Uncertain significance. Last evaluated: 2024-08-05. Review status: criteria provided, single submitter. Criteria: Invitae Variant Classification Sherloc (09022015). Collection method: clinical testing. Allele origin: germline.
Comment: This sequence change replaces aspartic acid, which is acidic and polar, with histidine, which is basic and polar, at codon 305 of the SIRT1 protein (p.Asp305His). This variant is not present in population databases (gnomAD no frequency). This variant has not been reported in the literature in individuals affected with SIRT1-related conditions. An algorithm developed to predict the effect of missense changes on protein structure and function (PolyPhen-2) suggests that this variant is likely to be disruptive. In summary, the available evidence is currently insufficient to determine the role of this variant in disease. Therefore, it has been classified as a Variant of Uncertain Significance.

NM_012238.5(SIRT1):c.913G>C (p.Asp305His)

Gene: SIRT1 (sirtuin 1; plus strand). Cytogenetic location: 10q21.3.
Variant type: single nucleotide variant.
Coding change: c.913G>C on transcript NM_012238.5 (MANE Select); coding-DNA position 913, G replaced by C.
Protein change: p.Asp305His; replaces aspartic acid 305 with histidine.
Molecular consequence: missense variant. On other transcripts: 5 prime UTR variant (1).
Genome position (GRCh38, 1-based): chr10:67,891,525, G>C. VCF-style: chr10-67891525-G-C. GRCh37 (hg19) VCF-style: chr10-69651283-G-C.
Other names: c.28G>C, p.Asp10His (NM_001142498.2); c.-122G>C (NM_001314049.2); short protein forms D10H, D305H.
Identifiers: ClinVar variation 3659434 (VCV003659434.2).